The following is an entry in ClinVar:

NM_002693.3(POLG):c.56T>C (p.Val19Ala)

Genes: POLG (DNA polymerase gamma, catalytic subunit; minus strand), POLGARF (POLG alternative reading frame; minus strand). Cytogenetic location: 15q26.1.
Variant type: single nucleotide variant.
Coding change: c.56T>C on transcript NM_002693.3 (MANE Select); coding-DNA position 56, T replaced by C.
Protein change: p.Val19Ala; replaces valine 19 with alanine.
Molecular consequence: missense variant.
Genome position (GRCh38, 1-based): chr15:89,333,699, A>G on the plus strand (T>C on the coding strand, the complement: POLG is on the minus strand). VCF-style: chr15-89333699-A-G. GRCh37 (hg19) VCF-style: chr15-89876930-A-G.
Other names: c.56T>C, p.Val19Ala (NM_001126131.2); short protein forms V19A.
Identifiers: ClinVar variation 1217033 (VCV001217033.10), dbSNP rs770885465, ClinGen allele CA7725211.

ClinVar aggregate classification (germline): Uncertain significance. Review status: criteria provided, multiple submitters, no conflicts (2 of 4 stars). 4 submissions from 4 submitters: Uncertain significance (4). Last evaluated 2026-07-22.

Conditions:
Progressive sclerosing poliodystrophy (MTDPS4A). Also called: Alpers Syndrome; ALPERS DIFFUSE DEGENERATION OF CEREBRAL GRAY MATTER WITH HEPATIC CIRRHOSIS; Alpers-Huttenlocher Syndrome; ALPERS PROGRESSIVE INFANTILE POLIODYSTROPHY; Mitochondrial DNA Depletion Syndrome 4A; Alpers-Huttenlocher Syndrome (AHS). Identifiers: Orphanet 726, MedGen C0205710, MONDO:0008758, OMIM 203700.
POLG-related disorder. Also called: POLG-related condition; POLG-Related Disorders; POLG-Related Spectrum Disorders. Identifiers: MedGen C4763519.

Allele frequency attached by ClinVar (database versions not stated): gnomAD exomes 0.00001 and 0.00002; ExAC 0.00008.
gnomAD v4.1: 16 of 1,540,786 alleles (0.001%); highest among the groups gnomAD compares: South Asian, 0.016%; no homozygotes.

Submissions (4):

PreventionGenetics, part of Exact Sciences
Classification: Uncertain significance for POLG-related condition. Last evaluated: 2026-07-22. Review status: criteria provided, single submitter. Criteria: ACMG Guidelines, 2015. Collection method: clinical testing. Allele origin: germline.
Comment: The POLG c.56T>C variant is predicted to result in the amino acid substitution p.Val19Ala. To our knowledge, this variant has not been reported in the literature. This variant is reported in 0.013% of alleles in individuals of South Asian descent in gnomAD. At this time, the clinical significance of this variant is uncertain due to the absence of conclusive functional and genetic evidence.

Labcorp Genetics (formerly Invitae), Labcorp
Classification: Uncertain significance for Progressive sclerosing poliodystrophy. Last evaluated: 2024-09-02. Review status: criteria provided, single submitter. Criteria: Invitae Variant Classification Sherloc (09022015). Collection method: clinical testing. Allele origin: germline.
Comment: This sequence change replaces valine, which is neutral and non-polar, with alanine, which is neutral and non-polar, at codon 19 of the POLG protein (p.Val19Ala). This variant is present in population databases (rs770885465, gnomAD 0.01%). This variant has not been reported in the literature in individuals affected with POLG-related conditions. ClinVar contains an entry for this variant (Variation ID: 1217033). Invitae Evidence Modeling of protein sequence and biophysical properties (such as structural, functional, and spatial information, amino acid conservation, physicochemical variation, residue mobility, and thermodynamic stability) indicates that this missense variant is not expected to disrupt POLG protein function with a negative predictive value of 95%. In summary, the available evidence is currently insufficient to determine the role of this variant in disease. Therefore, it has been classified as a Variant of Uncertain Significance.

Revvity Omics, Revvity
Classification: Uncertain significance. Last evaluated: 2023-11-08. Review status: criteria provided, single submitter. Criteria: ACMG Guidelines, 2015. Collection method: clinical testing. Allele origin: germline.

GeneDx
Classification: Uncertain significance. Last evaluated: 2020-10-26. Review status: criteria provided, single submitter. Criteria: GeneDx Variant Classification Process June 2021. Collection method: clinical testing. Allele origin: germline. Affected: yes.
Comment: Not observed at a significant frequency in large population cohorts (Lek et al., 2016); In silico analysis, which includes protein predictors and evolutionary conservation, supports that this variant does not alter protein structure/function; Has not been previously published as pathogenic or benign to our knowledge